The following is an entry in ClinVar:

ClinVar aggregate classification (germline): Likely pathogenic (1 of 4 stars; one submission).

Conditions:
Lamellar ichthyosis. Identifiers: Orphanet 313, MedGen C5848247, MONDO:0017778.

gnomAD v4.1: 23 of 1,614,010 alleles (0.0014%); highest among the groups gnomAD compares: Non-Finnish European, 0.0018%; no homozygotes.

Submission:

Women's Health and Genetics/Laboratory Corporation of America, LabCorp
Classification: Likely pathogenic for Lamellar ichthyosis. Last evaluated: 2024-10-11. Review status: criteria provided, single submitter. Criteria: LabCorp Variant Classification Summary - May 2015. Collection method: clinical testing. Allele origin: germline.
Comment: Variant summary: CYP4F22 c.1189C>T (p.Arg397Cys) results in a non-conservative amino acid change in the encoded protein sequence. Five of five in-silico tools predict a damaging effect of the variant on protein function. The variant allele was found at a frequency of 4e-06 in 251490 control chromosomes. c.1189C>T has been reported in the literature in at-least two individuals affected with congenital ichthyosis (example, Takeichi_2022, Zhao_2022). These data indicate that the variant may be associated with disease. At least one publication reports experimental evidence evaluating an impact on protein function. The most pronounced variant effect results in <10% of normal enzymatic activity in HEK 193 cells (Takeichi_2022). No submitters have cited clinical-significance assessments for this variant to ClinVar. Based on the evidence outlined above, the variant was classified as likely pathogenic.

Literature cited by the submitters: PubMed 36332686; PubMed 35014717.

NM_173483.4(CYP4F22):c.1189C>T (p.Arg397Cys)

Gene: CYP4F22 (cytochrome P450 family 4 subfamily F member 22; plus strand). Cytogenetic location: 19p13.12.
Variant type: single nucleotide variant.
Coding change: c.1189C>T on transcript NM_173483.4 (MANE Select); coding-DNA position 1189, C replaced by T.
Protein change: p.Arg397Cys; replaces arginine 397 with cysteine.
Molecular consequence: missense variant.
Genome position (GRCh38, 1-based): chr19:15,548,160, C>T. VCF-style: chr19-15548160-C-T. GRCh37 (hg19) VCF-style: chr19-15658971-C-T.
Other names: short protein forms R397C.
Identifiers: ClinVar variation 3384754 (VCV003384754.1).